The following is an entry in ClinVar:

NM_001754.5(RUNX1):c.1098C>G (p.Ile366Met)

Gene: RUNX1 (RUNX family transcription factor 1; minus strand). Cytogenetic location: 21q22.12.
Variant type: single nucleotide variant.
Coding change: c.1098C>G on transcript NM_001754.5 (MANE Select); coding-DNA position 1098, C replaced by G.
Protein change: p.Ile366Met; replaces isoleucine 366 with methionine.
Molecular consequence: missense variant.
Genome position (GRCh38, 1-based): chr21:34,792,480, G>C on the plus strand (C>G on the coding strand, the complement: RUNX1 is on the minus strand). VCF-style: chr21-34792480-G-C. GRCh37 (hg19) VCF-style: chr21-36164777-G-C.
Other names: NM_001754.5(RUNX1):c.1098C>G; p.Ile366Met; c.1017C>G, p.Ile339Met (NM_001001890.3); short protein forms I366M, I339M.
Identifiers: ClinVar variation 2002610 (VCV002002610.5), dbSNP rs767561590, ClinGen allele CA410148136.
Genomic context (GRCh38, chr21:34,792,480, plus strand): 5'-GGGGTAGGGCGGCGGCAGGTAGGTGTGGTAGCGCGTGGCCGAGCCCATGGCCGACATGCC[G>C]ATGCCGATGCCCGAGGTGACCGGCGTCGGGGAGTAGGTGAAGGCGCCTGGATAGTGCATG-3'
Protein context (NP_001745.2, residues 356-376): SPTPVTSGIG[Ile366Met]GMSAMGSATR

ClinVar aggregate classification (germline): Uncertain significance. Review status: reviewed by expert panel (3 of 4 stars). 2 submissions from 2 submitters: Uncertain significance (1). 1 of the submissions does not count toward it. Last evaluated 2024-08-01.

Conditions:
Hereditary thrombocytopenia and hematological cancer predisposition syndrome associated with RUNX1. Also called: Familial Platelet Disorder with Propensity to Acute Myelogenous Leukemia; Familial thrombocytopenia with propensity to acute myelogenous leukemia; PLATELET DISORDER, ASPIRIN-LIKE; RUNX1 Familial Platelet Disorder with Associated Myeloid Malignancies. Identifiers: Orphanet 71290, MedGen C1832388, MeSH C563324, MONDO:0100083, OMIM 601399.
Hereditary thrombocytopenia and hematologic cancer predisposition syndrome. Identifiers: Orphanet 71290, MedGen CN281654, MONDO:0011071.

Submissions (2):

ClinGen Myeloid Malignancy Variant Curation Expert Panel
Classification: Uncertain significance for Hereditary thrombocytopenia and hematologic cancer predisposition syndrome. Last evaluated: 2024-08-01. Review status: reviewed by expert panel. Criteria: ClinGen MyeloMalig ACMG Specifications v2. Collection method: curation. Allele origin: germline. Inheritance: Autosomal dominant inheritance.
Comment: NM_001754.5(RUNX1):c.1098C>G (p.Ile366Met) is a missense variant which is completely absent from all population databases (gnomAD v2.1.1 and v3.1.2) with at least 20x coverage for RUNX1 (PM2_supporting). It has a REVEL score <0.50 (0.451) (BP4). Additionally, there is no previous report of this variant. In summary, the clinical significance of this variant is uncertain. ACMG/AMP criteria applied, as specified by the Myeloid Malignancy Variant Curation Expert Panel for RUNX1: BP4, PM2_supporting.

Labcorp Genetics (formerly Invitae), Labcorp
Classification: Uncertain significance for Hereditary thrombocytopenia and hematological cancer predisposition syndrome associated with RUNX1. Last evaluated: 2025-04-21. Review status: criteria provided, single submitter. Criteria: Invitae Variant Classification Sherloc (09022015). Collection method: clinical testing. Allele origin: germline. Not counted in ClinVar's aggregate classification.
Comment: This sequence change replaces isoleucine, which is neutral and non-polar, with methionine, which is neutral and non-polar, at codon 366 of the RUNX1 protein (p.Ile366Met). This variant is not present in population databases (gnomAD no frequency). This variant has not been reported in the literature in individuals affected with RUNX1-related conditions. ClinVar contains an entry for this variant (Variation ID: 2002610). Invitae Evidence Modeling of protein sequence and biophysical properties (such as structural, functional, and spatial information, amino acid conservation, physicochemical variation, residue mobility, and thermodynamic stability) has been performed for this missense variant. However, the output from this modeling did not meet the statistical confidence thresholds required to predict the impact of this variant on RUNX1 protein function. In summary, the available evidence is currently insufficient to determine the role of this variant in disease. Therefore, it has been classified as a Variant of Uncertain Significance.